The following is an entry in ClinVar:

NM_031433.4(MFRP):c.989A>G (p.His330Arg)

Genes: C1QTNF5 (C1q and TNF related 5; minus strand), MFRP (membrane frizzled-related protein; minus strand). Cytogenetic location: 11q23.3.
Variant type: single nucleotide variant.
Coding change: c.989A>G on transcript NM_031433.4 (MANE Select); coding-DNA position 989, A replaced by G.
Protein change: p.His330Arg; replaces histidine 330 with arginine.
Molecular consequence: missense variant. On other transcripts: 5 prime UTR variant (1).
Genome position (GRCh38, 1-based): chr11:119,343,951, T>C on the plus strand (A>G on the coding strand, the complement: MFRP is on the minus strand). VCF-style: chr11-119343951-T-C. GRCh37 (hg19) VCF-style: chr11-119214661-T-C.
Other names: c.-1648A>G (NM_015645.5); short protein forms H330R.
Identifiers: ClinVar variation 1053650 (VCV001053650.47), dbSNP rs1950530286, ClinGen allele CA382975716.

ClinVar aggregate classification (germline): Uncertain significance (1 of 4 stars; one submission).

Conditions:
Isolated microphthalmia 5. Also called: Posterior Microphthalmia with Retinitis Pigmentosa, Foveoschisis, and Optic Disc Drusen. Identifiers: Orphanet 251279, MedGen C1970236, MONDO:0012605, OMIM 611040.

Allele frequency attached by ClinVar (database versions not stated): gnomAD 0.00001; gnomAD exomes below 0.00001; TOPMed below 0.00001.
gnomAD v4.1: 4 of 1,612,836 alleles (0.00025%); highest among the groups gnomAD compares: Non-Finnish European, 0.00025%; no homozygotes.

Submission:

Labcorp Genetics (formerly Invitae), Labcorp
Classification: Uncertain significance for Isolated microphthalmia 5. Last evaluated: 2022-06-03. Review status: criteria provided, single submitter. Criteria: Invitae Variant Classification Sherloc (09022015). Collection method: clinical testing. Allele origin: germline.
Comment: In summary, the available evidence is currently insufficient to determine the role of this variant in disease. Therefore, it has been classified as a Variant of Uncertain Significance. Algorithms developed to predict the effect of missense changes on protein structure and function (SIFT, PolyPhen-2, Align-GVGD) all suggest that this variant is likely to be tolerated. ClinVar contains an entry for this variant (Variation ID: 1053650). This variant has not been reported in the literature in individuals affected with MFRP-related conditions. This variant is not present in population databases (gnomAD no frequency). This sequence change replaces histidine, which is basic and polar, with arginine, which is basic and polar, at codon 330 of the MFRP protein (p.His330Arg).